The following is an entry in ClinVar:

NM_000155.4(GALT):c.1117_1118del (p.Arg373fs)

Gene: GALT (galactose-1-phosphate uridylyltransferase; plus strand). Cytogenetic location: 9p13.3.
Variant type: Deletion.
Coding change: c.1117_1118del on transcript NM_000155.4 (MANE Select); coding-DNA positions 1117 to 1118, 2 bases deleted (AG; older notation c.1117_1118delAG).
Protein change: p.Arg373fs; shifts the reading frame from arginine 373.
Molecular consequence: frameshift variant.
Genome position (GRCh38, 1-based): chr9:34,650,426-34,650,427, AG deleted. VCF-style (leftmost placement, unchanged base first): chr9-34650425-CAG-C. GRCh37 (hg19) VCF-style: chr9-34650422-CAG-C.
Other names: c.790_791del, p.Arg264fs (NM_001258332.2); short protein forms R373fs, R264fs.
Identifiers: ClinVar variation 2173331 (VCV002173331.2), dbSNP rs2492881242, ClinGen allele CA2580080421.

ClinVar aggregate classification (germline): Conflicting classifications of pathogenicity. Review status: criteria provided, conflicting classifications (1 of 4 stars). 2 submissions from 2 submitters: Likely pathogenic (1); Uncertain significance (1). Last evaluated 2024-01-18.

Conditions:
Deficiency of UDPglucose-hexose-1-phosphate uridylyltransferase. Also called: GALACTOSEMIA I; GALT deficiency; Galactosemia, classic; GALACTOSE-1-PHOSPHATE URIDYLYLTRANSFERASE DEFICIENCY; Transferase Deficiency Galactosemia. Identifiers: Orphanet 352, Orphanet 79239, MedGen C0268151, MONDO:0009258, OMIM 230400.

Submissions (2):

Fulgent Genetics
Classification: Likely pathogenic for Deficiency of UDPglucose-hexose-1-phosphate uridylyltransferase. Last evaluated: 2024-01-18. Review status: criteria provided, single submitter. Criteria: ACMG Guidelines, 2015. Collection method: clinical testing. Allele origin: germline.

Labcorp Genetics (formerly Invitae), Labcorp
Classification: Uncertain significance for Deficiency of UDPglucose-hexose-1-phosphate uridylyltransferase. Last evaluated: 2022-09-13. Review status: criteria provided, single submitter. Criteria: Invitae Variant Classification Sherloc (09022015). Collection method: clinical testing. Allele origin: germline.
Comment: This sequence change results in a frameshift in the GALT gene (p.Arg373Glyfs*15). While this is not anticipated to result in nonsense mediated decay, it is expected to disrupt the last 7 amino acid(s) of the GALT protein and extend the protein by 7 additional amino acid residues. This variant is not present in population databases (gnomAD no frequency). This variant has not been reported in the literature in individuals affected with GALT-related conditions. Experimental studies and prediction algorithms are not available or were not evaluated, and the functional significance of this variant is currently unknown. Algorithms developed to predict the effect of sequence changes on RNA splicing suggest that this variant may create or strengthen a splice site. In summary, the available evidence is currently insufficient to determine the role of this variant in disease. Therefore, it has been classified as a Variant of Uncertain Significance.